The following is an entry in ClinVar:

NM_001349253.2(SCN11A):c.712C>T (p.Arg238Cys)

Gene: SCN11A (sodium voltage-gated channel alpha subunit 11; minus strand). Cytogenetic location: 3p22.2.
Variant type: single nucleotide variant.
Coding change: c.712C>T on transcript NM_001349253.2 (MANE Select); coding-DNA position 712, C replaced by T.
Protein change: p.Arg238Cys; replaces arginine 238 with cysteine.
Molecular consequence: missense variant.
Genome position (GRCh38, 1-based): chr3:38,925,415, G>A on the plus strand (C>T on the coding strand, the complement: SCN11A is on the minus strand). VCF-style: chr3-38925415-G-A. GRCh37 (hg19) VCF-style: chr3-38966906-G-A.
Other names: p.Arg238Cys; c.712C>T, p.Arg238Cys (NM_014139.3); short protein forms R238C.
Identifiers: ClinVar variation 474754 (VCV000474754.18), dbSNP rs146942592, ClinGen allele CA2322545.

ClinVar aggregate classification (germline): Conflicting classifications of pathogenicity. Review status: criteria provided, conflicting classifications (1 of 4 stars). 6 submissions from 6 submitters: Uncertain significance (3); Likely benign (3). Last evaluated 2026-01-22.

Conditions:
SCN11A-related disorder. Also called: SCN11A-related condition.
Hereditary sensory and autonomic neuropathy type 7. Also called: HSAN VII; Neuropathy, hereditary sensory and autonomic, type VII. Identifiers: Orphanet 391397, MedGen C3809882, MONDO:0014244, OMIM 615548.
Familial episodic pain syndrome with predominantly lower limb involvement. Also called: Episodic pain syndrome, familial, 3. Identifiers: Orphanet 391384, Orphanet 391392, MedGen C3809899, MONDO:0014247, OMIM 615552.
Inborn genetic diseases. Identifiers: MedGen C0950123, MeSH D030342.

Allele frequency attached by ClinVar (database versions not stated): 1000 Genomes Project 0.00020; ESP Exome Variant Server 0.00038; gnomAD 0.00011 and 0.00012; 1000 Genomes Project 30x 0.00016; TOPMed 0.00016.
gnomAD v4.1: 522 of 1,599,406 alleles (0.033%); highest among the groups gnomAD compares: Non-Finnish European, 0.042%; no homozygotes.

Submissions (6):

PreventionGenetics, part of Exact Sciences
Classification: Likely benign for SCN11A-related condition. Last evaluated: 2026-01-22. Review status: criteria provided, single submitter. Criteria: ACMG Guidelines, 2015. Collection method: clinical testing. Allele origin: germline.
Comment: This variant is classified as likely benign based on ACMG/AMP sequence variant interpretation guidelines (Richards et al. 2015 PMID: 25741868, with internal and published modifications).

Labcorp Genetics (formerly Invitae), Labcorp
Classification: Uncertain significance for Familial episodic pain syndrome with predominantly lower limb involvement; Hereditary sensory and autonomic neuropathy type 7. Last evaluated: 2026-01-14. Review status: criteria provided, single submitter. Criteria: Invitae Variant Classification Sherloc (09022015). Collection method: clinical testing. Allele origin: germline.
Comment: This sequence change replaces arginine, which is basic and polar, with cysteine, which is neutral and slightly polar, at codon 238 of the SCN11A protein (p.Arg238Cys). This variant is present in population databases (rs146942592, gnomAD 0.04%), and has an allele count higher than expected for a pathogenic variant. This variant has not been reported in the literature in individuals affected with SCN11A-related conditions. ClinVar contains an entry for this variant (Variation ID: 474754). An algorithm developed to predict the effect of missense changes on protein structure and function (PolyPhen-2) suggests that this variant is likely to be disruptive. In summary, the available evidence is currently insufficient to determine the role of this variant in disease. Therefore, it has been classified as a Variant of Uncertain Significance.

Mayo Clinic Laboratories, Mayo Clinic
Classification: Uncertain significance. Last evaluated: 2025-11-01. Review status: criteria provided, single submitter. Criteria: ACMG Guidelines, 2015. Collection method: clinical testing. Allele origin: germline. Observed: 1 variant allele.
Comment: BS2

Women's Health and Genetics/Laboratory Corporation of America, LabCorp
Classification: Uncertain significance. Last evaluated: 2023-11-01. Review status: criteria provided, single submitter. Criteria: LabCorp Variant Classification Summary - May 2015. Collection method: clinical testing. Allele origin: germline.
Comment: Variant summary: SCN11A c.712C>T (p.Arg238Cys) results in a non-conservative amino acid change located in the Ion transport domain (IPR005821) of the encoded protein sequence. Four of five in-silico tools predict a damaging effect of the variant on protein function. The variant allele was found at a frequency of 0.00019 in 251028 control chromosomes, predominantly at a frequency of 0.00037 within the Non-Finnish European subpopulation in the gnomAD database. To our knowledge, no occurrence of c.712C>T in individuals affected with Hereditary Sensory And Autonomic Neuropathy Type 7 and no experimental evidence demonstrating its impact on protein function have been reported. Three submitters have cited clinical-significance assessments for this variant to ClinVar after 2014. Based on the evidence outlined above, the variant was classified as VUS-possibly benign.

GeneDx
Classification: Likely benign. Last evaluated: 2020-06-15. Review status: criteria provided, single submitter. Criteria: GeneDx Variant Classification Process June 2021. Collection method: clinical testing. Allele origin: germline. Affected: yes.

Ambry Genetics
Classification: Likely benign for Inborn genetic diseases. Last evaluated: 2020-03-20. Review status: criteria provided, single submitter. Criteria: Ambry Variant Classification Scheme 2023. Collection method: clinical testing. Allele origin: germline.